The following is an entry in ClinVar:

ClinVar aggregate classification (germline): Uncertain significance (1 of 4 stars; one submission).

Submission:

Ambry Genetics
Classification: Uncertain significance. Last evaluated: 2024-10-31. Review status: criteria provided, single submitter. Criteria: Ambry Variant Classification Scheme 2023. Collection method: clinical testing. Allele origin: germline.
Comment: The p.Y283S variant (also known as c.848A>C), located in coding exon 6 of the POLQ gene, results from an A to C substitution at nucleotide position 848. The tyrosine at codon 283 is replaced by serine, an amino acid with dissimilar properties. This amino acid position is conserved. In addition, the in silico prediction for this alteration is inconclusive. Since supporting evidence is limited at this time, the clinical significance of this alteration remains unclear.

NM_199420.4(POLQ):c.848A>C (p.Tyr283Ser)

Gene: POLQ (DNA polymerase theta; minus strand). Cytogenetic location: 3q13.33.
Variant type: single nucleotide variant.
Coding change: c.848A>C on transcript NM_199420.4 (MANE Select); coding-DNA position 848, A replaced by C.
Protein change: p.Tyr283Ser; replaces tyrosine 283 with serine.
Molecular consequence: missense variant.
Genome position (GRCh38, 1-based): chr3:121,533,102, T>G on the plus strand (A>C on the coding strand, the complement: POLQ is on the minus strand). VCF-style: chr3-121533102-T-G. GRCh37 (hg19) VCF-style: chr3-121251949-T-G.
Other names: short protein forms Y283S.
Identifiers: ClinVar variation 1763559 (VCV001763559.3), dbSNP rs2546819108, ClinGen allele CA354126361.